The following is an entry in ClinVar:

ClinVar aggregate classification (germline): Uncertain significance (1 of 4 stars; one submission).

Conditions:
Frontotemporal dementia and/or amyotrophic lateral sclerosis 1 (FTDALS1). Also called: C9orf72 Frontotemporal Dementia and/or Amyotrophic Lateral Sclerosis; Frontotemporal dementia with motor neuron disease 1. Identifiers: Orphanet 275872, MedGen C5779877, MONDO:0007105, OMIM 105550.
Paget disease of bone 2, early-onset (PDB2). Also called: Paget disease of bone 2. Identifiers: MedGen C4085251, MONDO:0011183, OMIM 602080.

Allele frequency attached by ClinVar (database versions not stated): gnomAD exomes below 0.00001.
gnomAD v4.1: 3 of 1,613,730 alleles (0.00019%); highest among the groups gnomAD compares: Non-Finnish European, 0.00025%; no homozygotes.

Submission:

Labcorp Genetics (formerly Invitae), Labcorp
Classification: Uncertain significance for Paget disease of bone 2, early-onset; Frontotemporal dementia and/or amyotrophic lateral sclerosis 1. Last evaluated: 2021-09-14. Review status: criteria provided, single submitter. Criteria: Invitae Variant Classification Sherloc (09022015). Collection method: clinical testing. Allele origin: germline.
Comment: This sequence change replaces proline with serine at codon 210 of the SQSTM1 protein (p.Pro210Ser). The proline residue is highly conserved and there is a moderate physicochemical difference between proline and serine. This variant is not present in population databases (ExAC no frequency). This variant has not been reported in the literature in individuals affected with SQSTM1-related conditions. Algorithms developed to predict the effect of missense changes on protein structure and function are either unavailable or do not agree on the potential impact of this missense change (SIFT: "Deleterious"; PolyPhen-2: "Benign"; Align-GVGD: "Class C25"). In summary, the available evidence is currently insufficient to determine the role of this variant in disease. Therefore, it has been classified as a Variant of Uncertain Significance.

NM_003900.5(SQSTM1):c.628C>T (p.Pro210Ser)

Gene: SQSTM1 (sequestosome 1; plus strand). Cytogenetic location: 5q35.3.
Variant type: single nucleotide variant.
Coding change: c.628C>T on transcript NM_003900.5 (MANE Select); coding-DNA position 628, C replaced by T.
Protein change: p.Pro210Ser; replaces proline 210 with serine.
Molecular consequence: missense variant.
Genome position (GRCh38, 1-based): chr5:179,824,278, C>T. VCF-style: chr5-179824278-C-T. GRCh37 (hg19) VCF-style: chr5-179251278-C-T.
Other names: c.376C>T, p.Pro126Ser (NM_001142298.2, NM_001142299.2); short protein forms P126S, P210S.
Identifiers: ClinVar variation 1449923 (VCV001449923.6), dbSNP rs1370363543, ClinGen allele CA362445902.